The following is an entry in ClinVar:

NM_001267550.2(TTN):c.107681-3A>C

Genes: TTN-AS1 (TTN antisense RNA 1; plus strand), TTN (titin; minus strand). Cytogenetic location: 2q31.2.
Variant type: single nucleotide variant.
Coding change: c.107681-3A>C on transcript NM_001267550.2 (MANE Select); 3 bases into the intron before coding-DNA position 107681, A replaced by C.
Molecular consequence: intron variant.
Genome position (GRCh38, 1-based): chr2:178,527,310, T>G on the plus strand (A>C on the coding strand, the complement: TTN is on the minus strand). VCF-style: chr2-178527310-T-G. GRCh37 (hg19) VCF-style: chr2-179392037-T-G.
Other names: c.80486-3A>C (NM_003319.4); c.81062-3A>C (NM_133437.4); c.80861-3A>C (NM_133432.3); c.99977-3A>C (NM_133378.4); c.102758-3A>C (NM_001256850.1).
Identifiers: ClinVar variation 1975633 (VCV001975633.2), dbSNP rs112369046, ClinGen allele CA2580064599.

ClinVar aggregate classification (germline): Uncertain significance (1 of 4 stars; one submission).

Conditions:
Dilated cardiomyopathy 1G (CMD1G). Identifiers: Orphanet 154, MedGen C1858763, MONDO:0011400, OMIM 604145.
Autosomal recessive limb-girdle muscular dystrophy type 2J (LGMDR10). Also called: Limb-girdle muscular dystrophy, type 2J; MUSCULAR DYSTROPHY, LIMB-GIRDLE, AUTOSOMAL RECESSIVE 10. Identifiers: Orphanet 140922, MedGen C1837342, MONDO:0012127, OMIM 608807.

Allele frequency attached by ClinVar (database versions not stated): gnomAD exomes 0.00001.
gnomAD v4.1: 3 of 1,586,912 alleles (0.00019%); highest among the groups gnomAD compares: Non-Finnish European, 0.00026%; no homozygotes.

Submission:

Labcorp Genetics (formerly Invitae), Labcorp
Classification: Uncertain significance for Dilated cardiomyopathy 1G; Autosomal recessive limb-girdle muscular dystrophy type 2J. Last evaluated: 2021-10-19. Review status: criteria provided, single submitter. Criteria: Invitae Variant Classification Sherloc (09022015). Collection method: clinical testing. Allele origin: germline.
Comment: This sequence change falls in intron 362 of the TTN gene. It does not directly change the encoded amino acid sequence of the TTN protein. It affects a nucleotide within the consensus splice site. This variant is not present in population databases (ExAC no frequency). This variant has not been reported in the literature in individuals affected with TTN-related conditions. Variants that disrupt the consensus splice site are a relatively common cause of aberrant splicing (PMID: 17576681, 9536098). Algorithms developed to predict the effect of sequence changes on RNA splicing suggest that this variant may create or strengthen a splice site. In summary, the available evidence is currently insufficient to determine the role of this variant in disease. Therefore, it has been classified as a Variant of Uncertain Significance.

Literature cited by the submitters: PubMed 17576681; PubMed 9536098.